The following is an entry in ClinVar:

ClinVar aggregate classification (germline): Uncertain significance (1 of 4 stars; one submission).

Conditions:
Familial adenomatous polyposis 1 (FAP1). Also called: FAMILIAL ADENOMATOUS POLYPOSIS 1, ATTENUATED; POLYPOSIS, ADENOMATOUS INTESTINAL. Identifiers: MedGen C2713442, MONDO:0021056, OMIM 175100. Disease mechanism: loss of function.

gnomAD v4.1: 3 of 1,613,878 alleles (0.00019%); highest among the groups gnomAD compares: Non-Finnish European, 0.00017%; no homozygotes.

Submission:

Labcorp Genetics (formerly Invitae), Labcorp
Classification: Uncertain significance for Familial adenomatous polyposis 1. Last evaluated: 2024-03-04. Review status: criteria provided, single submitter. Criteria: Invitae Variant Classification Sherloc (09022015). Collection method: clinical testing. Allele origin: germline.
Comment: This sequence change replaces glutamic acid, which is acidic and polar, with valine, which is neutral and non-polar, at codon 2579 of the APC protein (p.Glu2579Val). This variant is not present in population databases (gnomAD no frequency). This variant has not been reported in the literature in individuals affected with APC-related conditions. Advanced modeling of protein sequence and biophysical properties (such as structural, functional, and spatial information, amino acid conservation, physicochemical variation, residue mobility, and thermodynamic stability) performed at Invitae indicates that this missense variant is not expected to disrupt APC protein function with a negative predictive value of 95%. In summary, the available evidence is currently insufficient to determine the role of this variant in disease. Therefore, it has been classified as a Variant of Uncertain Significance.

NM_000038.6(APC):c.7736A>T (p.Glu2579Val)

Gene: APC (APC regulator of Wnt signaling pathway; plus strand). Cytogenetic location: 5q22.2.
Variant type: single nucleotide variant.
Coding change: c.7736A>T on transcript NM_000038.6 (MANE Select); coding-DNA position 7736, A replaced by T.
Protein change: p.Glu2579Val; replaces glutamic acid 2579 with valine.
Molecular consequence: missense variant. On other transcripts: non-coding transcript variant (2).
Genome position (GRCh38, 1-based): chr5:112,843,330, A>T. VCF-style: chr5-112843330-A-T. GRCh37 (hg19) VCF-style: chr5-112179027-A-T.
Other names: c.7736A>T, p.Glu2579Val (NM_001127510.3, NM_001354895.2, NM_001407450.1); c.7682A>T, p.Glu2561Val (NM_001127511.3); c.7790A>T, p.Glu2597Val (NM_001354896.2, NM_001407447.1, NM_001407448.1 and 1 more transcripts); c.7766A>T, p.Glu2589Val (NM_001354897.2); c.7661A>T, p.Glu2554Val (NM_001354898.2); c.7652A>T, p.Glu2551Val (NM_001354899.2); c.7613A>T, p.Glu2538Val (NM_001354900.2); c.7433A>T, p.Glu2478Val (NM_001354903.2, NM_001407458.1, NM_001407459.1 and 1 more transcripts); and 11 more; short protein forms E2453V, E2496V, E2538V, E2569V, E2589V, E2296V, E2551V, E2561V.
Identifiers: ClinVar variation 3635521 (VCV003635521.2).